The following is an entry in ClinVar:

NM_001271.4(CHD2):c.688G>T (p.Val230Phe)

Gene: CHD2 (chromodomain helicase DNA binding protein 2; plus strand). Cytogenetic location: 15q26.1.
Variant type: single nucleotide variant.
Coding change: c.688G>T on transcript NM_001271.4 (MANE Select); coding-DNA position 688, G replaced by T.
Protein change: p.Val230Phe; replaces valine 230 with phenylalanine.
Molecular consequence: missense variant.
Genome position (GRCh38, 1-based): chr15:92,939,714, G>T. VCF-style: chr15-92939714-G-T. GRCh37 (hg19) VCF-style: chr15-93482944-G-T.
Other names: c.688G>T, p.Val230Phe (NM_001042572.3); c.688G>T (NM_001271.3); short protein forms V230F.
Identifiers: ClinVar variation 1398192 (VCV001398192.7), dbSNP rs762370978, ClinGen allele CA7747597.

ClinVar aggregate classification (germline): Uncertain significance. Review status: criteria provided, multiple submitters, no conflicts (2 of 4 stars). 2 submissions from 2 submitters: Uncertain significance (2). Last evaluated 2026-03-22.

Conditions:
Developmental and epileptic encephalopathy 94 (DEE94). Also called: Epileptic encephalopathy, childhood-onset; CHD2-Related Neurodevelopmental Disorders. Identifiers: Orphanet 1942, Orphanet 2382, MedGen C3809278, MONDO:0014150, OMIM 615369.

Allele frequency attached by ClinVar (database versions not stated): gnomAD 0.00001.

Submissions (2):

GeneDx
Classification: Uncertain significance. Last evaluated: 2026-03-22. Review status: criteria provided, single submitter. Criteria: GeneDx Variant Classification Process June 2021. Collection method: clinical testing. Allele origin: germline.
Comment: In silico analysis supports that this missense variant has a deleterious effect on protein structure/function; Has not been previously published as pathogenic or benign to our knowledge

Labcorp Genetics (formerly Invitae), Labcorp
Classification: Uncertain significance for Developmental and epileptic encephalopathy 94. Last evaluated: 2022-07-06. Review status: criteria provided, single submitter. Criteria: Invitae Variant Classification Sherloc (09022015). Collection method: clinical testing. Allele origin: germline.
Comment: In summary, the available evidence is currently insufficient to determine the role of this variant in disease. Therefore, it has been classified as a Variant of Uncertain Significance. Advanced modeling of protein sequence and biophysical properties (such as structural, functional, and spatial information, amino acid conservation, physicochemical variation, residue mobility, and thermodynamic stability) performed at Invitae indicates that this missense variant is not expected to disrupt CHD2 protein function. ClinVar contains an entry for this variant (Variation ID: 1398192). This variant has not been reported in the literature in individuals affected with CHD2-related conditions. The frequency data for this variant in the population databases is considered unreliable, as metrics indicate poor data quality at this position in the gnomAD database. This sequence change replaces valine, which is neutral and non-polar, with phenylalanine, which is neutral and non-polar, at codon 230 of the CHD2 protein (p.Val230Phe).